The following is an entry in ClinVar:

ClinVar aggregate classification (germline): Uncertain significance. Review status: criteria provided, single submitter (1 of 4 stars). 2 submissions from 2 submitters: Uncertain significance (1). 1 of the submissions does not count toward it. Last evaluated 2022-08-23.

Conditions:
Usher syndrome type 2A. Also called: RETINAL DISEASE IN USHER SYNDROME TYPE IIA, MODIFIER OF; USHER SYNDROME, TYPE IIA. Identifiers: Orphanet 231178, Orphanet 886, MedGen C1848634, MONDO:0010169, OMIM 276901.

Allele frequency attached by ClinVar (database versions not stated): gnomAD exomes below 0.00001 and 0.00001; TOPMed below 0.00001; gnomAD 0.00001.
gnomAD v4.1: 6 of 1,613,838 alleles (0.00037%); highest among the groups gnomAD compares: African/African-American, 0.0013%; no homozygotes.

Submissions (2):

Labcorp Genetics (formerly Invitae), Labcorp
Classification: Uncertain significance. Last evaluated: 2022-08-23. Review status: criteria provided, single submitter. Criteria: Invitae Variant Classification Sherloc (09022015). Collection method: clinical testing. Allele origin: germline.
Comment: This sequence change affects codon 2016 of the USH2A mRNA. It is a 'silent' change, meaning that it does not change the encoded amino acid sequence of the USH2A protein. It affects a nucleotide within the consensus splice site. This variant is present in population databases (no rsID available, gnomAD 0.0009%). This variant has not been reported in the literature in individuals affected with USH2A-related conditions. ClinVar contains an entry for this variant (Variation ID: 834823). Algorithms developed to predict the effect of sequence changes on RNA splicing suggest that this variant is not likely to affect RNA splicing. In summary, the available evidence is currently insufficient to determine the role of this variant in disease. Therefore, it has been classified as a Variant of Uncertain Significance.

Natera, Inc.
Classification: Uncertain significance for Usher syndrome type 2A. Last evaluated: 2019-12-23. Review status: no assertion criteria provided. Collection method: clinical testing. Allele origin: germline. Not counted in ClinVar's aggregate classification.

NM_206933.4(USH2A):c.6048A>G (p.Thr2016=)

Gene: USH2A (usherin; minus strand). Cytogenetic location: 1q41.
Variant type: single nucleotide variant.
Coding change: c.6048A>G on transcript NM_206933.4 (MANE Select); coding-DNA position 6048, A replaced by G.
Protein change: p.Thr2016=; no amino-acid change (threonine 2016 retained).
Molecular consequence: synonymous variant.
Genome position (GRCh38, 1-based): chr1:216,070,102, T>C on the plus strand (A>G on the coding strand, the complement: USH2A is on the minus strand). VCF-style: chr1-216070102-T-C. GRCh37 (hg19) VCF-style: chr1-216243444-T-C.
Identifiers: ClinVar variation 834823 (VCV000834823.7), dbSNP rs995870865, ClinGen allele CA37476109.